The following is an entry in ClinVar:

ClinVar aggregate classification (germline): Uncertain significance (1 of 4 stars; one submission).

Submission:

Labcorp Genetics (formerly Invitae), Labcorp
Classification: Uncertain significance. Last evaluated: 2024-08-07. Review status: criteria provided, single submitter. Criteria: Invitae Variant Classification Sherloc (09022015). Collection method: clinical testing. Allele origin: germline.
Comment: This variant, c.3373_3375del, results in the deletion of 1 amino acid(s) of the MSH3 protein (p.Glu1125del), but otherwise preserves the integrity of the reading frame. This variant is not present in population databases (gnomAD no frequency). This variant has not been reported in the literature in individuals affected with MSH3-related conditions. Experimental studies and prediction algorithms are not available or were not evaluated, and the functional significance of this variant is currently unknown. In summary, the available evidence is currently insufficient to determine the role of this variant in disease. Therefore, it has been classified as a Variant of Uncertain Significance.

NM_002439.5(MSH3):c.3370GAG[1] (p.Glu1125del)

Gene: MSH3 (mutS homolog 3; plus strand). Cytogenetic location: 5q14.1.
Variant type: Microsatellite.
Coding change: c.3370GAG[1] on transcript NM_002439.5 (MANE Select); one copy of the 3-base unit GAG starting at c.3370; the reference has two copies in a row; one copy, 3 bases deleted.
Protein change: p.Glu1125del; deletes glutamic acid 1125.
Genome position (GRCh38, 1-based): chr5:80,875,821-80,875,823, GAG deleted; deleting any 3 consecutive bases within chr5:80,875,818-80,875,823 gives the same sequence; the position shown is the placement nearest the transcript's 3' end. VCF-style (leftmost placement, unchanged base first): chr5-80875817-AGAG-A. GRCh37 (hg19) VCF-style: chr5-80171636-AGAG-A.
Other names: short protein forms E1125del.
Identifiers: ClinVar variation 3647922 (VCV003647922.2).